The following is an entry in ClinVar:

NM_001365951.3(KIF1B):c.4147A>T (p.Met1383Leu)

Gene: KIF1B (kinesin family member 1B; plus strand). Cytogenetic location: 1p36.22.
Variant type: single nucleotide variant.
Coding change: c.4147A>T on transcript NM_001365951.3 (MANE Select); coding-DNA position 4147, A replaced by T.
Protein change: p.Met1383Leu; replaces methionine 1383 with leucine.
Molecular consequence: missense variant.
Genome position (GRCh38, 1-based): chr1:10,361,020, A>T. VCF-style: chr1-10361020-A-T. GRCh37 (hg19) VCF-style: chr1-10421078-A-T.
Other names: c.4147A>T, p.Met1383Leu (NM_001365952.1); c.4009A>T, p.Met1337Leu (NM_015074.3); short protein forms M1383L, M1337L.
Identifiers: ClinVar variation 3864096 (VCV003864096.1).

ClinVar aggregate classification (germline): Uncertain significance (1 of 4 stars; one submission).

Submission:

Ambry Genetics
Classification: Uncertain significance. Last evaluated: 2025-02-12. Review status: criteria provided, single submitter. Criteria: Ambry Variant Classification Scheme 2023. Collection method: clinical testing. Allele origin: germline.
Comment: The p.M1337L variant (also known as c.4009A>T), located in coding exon 36 of the KIF1B gene, results from an A to T substitution at nucleotide position 4009. The methionine at codon 1337 is replaced by leucine, an amino acid with highly similar properties. This amino acid position is conserved. In addition, the in silico prediction for this alteration is inconclusive. Based on the available evidence, the clinical significance of this variant remains unclear.